The following is an entry in ClinVar:

NM_000277.3(PAH):c.878del (p.Leu293fs)

Genes: PAH (phenylalanine hydroxylase; minus strand), LOC126861615 (CDK7 strongly-dependent group 2 enhancer GRCh37_chr12:103244689-103245888; plus strand). Cytogenetic location: 12q23.2.
Variant type: Deletion.
Coding change: c.878del on transcript NM_000277.3 (MANE Select); coding-DNA position 878, one base deleted (T; older notation c.878delT).
Protein change: p.Leu293fs; shifts the reading frame from leucine 293.
Molecular consequence: frameshift variant.
Genome position (GRCh38, 1-based): chr12:102,851,721, A deleted on the plus strand (T on the coding strand, the reverse complement: PAH is on the minus strand); the first of 2 consecutive A bases (chr12:102,851,721-102,851,722); deleting either gives the same sequence. VCF-style (leftmost placement, unchanged base first): chr12-102851720-CA-C. GRCh37 (hg19) VCF-style: chr12-103245498-CA-C.
Other names: c.878del, p.Leu293fs (NM_001354304.2); short protein forms L293fs.
Identifiers: ClinVar variation 1726205 (VCV001726205.2), dbSNP rs2499621897, ClinGen allele CA2580085687.
Genomic context (GRCh38, chr12:102,851,720, plus strand): 5'-TAGAAGGCTAAAAAATCCATTCCTTACCTGGGAAAACTGGGCAAAGCTGCGATCTGAAAA[CA>C]AGGGCACATGTCCCAACAGCTCATGGCAGATGTCACTGAAAGACAGAAAGCACAGAGAGC-3'

ClinVar aggregate classification (germline): Likely pathogenic (1 of 4 stars; one submission).

Conditions:
Phenylketonuria (PKU). Also called: Phenylketonurias; FOLLING DISEASE; Phenylketonuria (PKU); OLIGOPHRENIA PHENYLPYRUVICA. Identifiers: Orphanet 716, MedGen C0031485, MONDO:0009861, OMIM 261600. Disease mechanism: loss of function.

Submission:

Myriad Genetics, Inc.
Classification: Likely pathogenic for Phenylketonuria. Last evaluated: 2022-05-23. Review status: criteria provided, single submitter. Criteria: Myriad Women's Health Autosomal Recessive and X-Linked Classification Criteria (2021). Collection method: clinical testing. Allele origin: unknown.
Comment: NM_000277.1(PAH):c.878delT(L293Cfs*48) is expected to be pathogenic in the context of phenylalanine hydroxylase deficiency. This variant is predicted to lead to an abnormal or absent protein product due to the creation of a premature termination codon in PAH, a gene where loss-of-function variants are known to be pathogenic. Please note: this variant was assessed in the context of healthy population screening.